The following is an entry in ClinVar:

NM_005866.4(SIGMAR1):c.482C>A (p.Ala161Asp)

Gene: SIGMAR1 (sigma receptor chaperone 1; minus strand). Cytogenetic location: 9p13.3.
Variant type: single nucleotide variant.
Coding change: c.482C>A on transcript NM_005866.4 (MANE Select); coding-DNA position 482, C replaced by A.
Protein change: p.Ala161Asp; replaces alanine 161 with aspartic acid.
Molecular consequence: missense variant. On other transcripts: 3 prime UTR variant (2), non-coding transcript variant (1), intron variant (1).
Genome position (GRCh38, 1-based): chr9:34,635,822, G>T on the plus strand (C>A on the coding strand, the complement: SIGMAR1 is on the minus strand). VCF-style: chr9-34635822-G-T. GRCh37 (hg19) VCF-style: chr9-34635819-G-T.
Other names: c.422C>A, p.Ala141Asp (NM_001282207.2); c.*25C>A (NM_001282208.2); c.*9C>A (NM_001282209.2); c.389C>A, p.Ala130Asp (NM_147157.3); c.446-182C>A (NM_001282205.2); c.182C>A, p.Ala61Asp (NM_001282206.2); short protein forms A61D, A161D, A130D, A141D.
Identifiers: ClinVar variation 1403331 (VCV001403331.3), dbSNP rs1820834441, ClinGen allele CA373272784.

ClinVar aggregate classification (germline): Uncertain significance (1 of 4 stars; one submission).

Conditions:
Autosomal recessive distal spinal muscular atrophy 2. Also called: NEUROPATHY, DISTAL HEREDITARY MOTOR, AUTOSOMAL RECESSIVE 2; NEURONOPATHY, DISTAL HEREDITARY MOTOR, JERASH TYPE; NEUROPATHY, DISTAL HEREDITARY MOTOR, JERASH TYPE; SPINAL MUSCULAR ATROPHY, JERASH TYPE; Hereditary motor neuropathy, Jerash type; Motor neuropathy, distal, Jerash type. Identifiers: Orphanet 139552, MedGen C1854023, MONDO:0011585, OMIM 605726.
Amyotrophic lateral sclerosis type 16. Also called: AMYOTROPHIC LATERAL SCLEROSIS 16, JUVENILE. Identifiers: Orphanet 300605, MedGen C3280587, MONDO:0013715, OMIM 614373.

Allele frequency attached by ClinVar (database versions not stated): TOPMed below 0.00001.

Submission:

Labcorp Genetics (formerly Invitae), Labcorp
Classification: Uncertain significance for Autosomal recessive distal spinal muscular atrophy 2; Amyotrophic lateral sclerosis type 16. Last evaluated: 2021-08-30. Review status: criteria provided, single submitter. Criteria: Invitae Variant Classification Sherloc (09022015). Collection method: clinical testing. Allele origin: germline.
Comment: This sequence change replaces alanine with aspartic acid at codon 161 of the SIGMAR1 protein (p.Ala161Asp). The alanine residue is moderately conserved and there is a moderate physicochemical difference between alanine and aspartic acid. This variant is not present in population databases (ExAC no frequency). This variant has not been reported in the literature in individuals affected with SIGMAR1-related conditions. Algorithms developed to predict the effect of missense changes on protein structure and function are either unavailable or do not agree on the potential impact of this missense change (SIFT: "Tolerated"; PolyPhen-2: "Probably Damaging"; Align-GVGD: "Class C0"). In summary, the available evidence is currently insufficient to determine the role of this variant in disease. Therefore, it has been classified as a Variant of Uncertain Significance.